The following is an entry in ClinVar:

ClinVar aggregate classification (germline): Likely pathogenic (1 of 4 stars; one submission).

Submission:

GeneDx
Classification: Likely pathogenic. Last evaluated: 2016-06-20. Review status: criteria provided, single submitter. Criteria: GeneDx Variant Classification (06012015). Collection method: clinical testing. Allele origin: germline. Affected: yes.
Comment: The P390L missense variant in the CYBB gene has been reported previously, using alternate nomenclature, in association with X-linked Chronic Granulomatous Disease (CGD) (Roos et al., 1996), with limited evidence towards pathogenicity. It was not observed in approximately 6500 individuals of European and African American ancestry in the NHLBI Exome Sequencing Project, indicating it is not a common benign variant in these populations. P390L is a semi- conservative amino acid substitution, which may impact secondary protein structure as these residues differ in some properties. This substitution occurs at a position within the flavin adenine dinucleotide (FAD) binding domain that is conserved across species. While in silico analysis predicts this variant is probably damaging to the protein structure/function, and the FAD binding domain is essential in the function of the final translated superoxide protein (Kuhns et al., 2010), there is no published evidence regarding the functional effects of P390L. Yet missense variants in nearby residues (I385R, G389R/A/E/V) have been reported in the Human Gene Mutation Database in association with CGD (Stenson et al., 2014), supporting the functional importance of this region of the protein. Therefore, this variant is likely pathogenic; however, the possibility that it is benign cannot be excluded.

NM_000397.4(CYBB):c.1169C>T (p.Pro390Leu)

Gene: CYBB (cytochrome b-245 beta chain; plus strand). Cytogenetic location: Xp11.4.
Variant type: single nucleotide variant.
Coding change: c.1169C>T on transcript NM_000397.4 (MANE Select); coding-DNA position 1169, C replaced by T.
Protein change: p.Pro390Leu; replaces proline 390 with leucine.
Molecular consequence: missense variant.
Genome position (GRCh38, 1-based): chrX:37,805,023, C>T. VCF-style: chrX-37805023-C-T. GRCh37 (hg19) VCF-style: chrX-37664276-C-T.
Other names: short protein forms P390L.
Identifiers: ClinVar variation 430219 (VCV000430219.2), dbSNP rs1131691836, ClinGen allele CA412977641.
Genomic context (GRCh38, chrX:37,805,023, plus strand): 5'-AGCAAGACATCTCTGTAACTATCTCCTCCCCATTTCCCTTCAGGATAGCGGTTGATGGGC[C>T]CTTTGGCACTGCCAGTGAAGATGTGTTCAGCTATGAGGTGGTGATGTTAGTGGGAGCAGG-3'
Protein context (NP_000388.2, residues 380-400): WKLPKIAVDG[Pro390Leu]FGTASEDVFS